The following is an entry in ClinVar:

ClinVar aggregate classification (germline): Uncertain significance (1 of 4 stars; one submission).

Submission:

Labcorp Genetics (formerly Invitae), Labcorp
Classification: Uncertain significance. Last evaluated: 2023-04-12. Review status: criteria provided, single submitter. Criteria: Invitae Variant Classification Sherloc (09022015). Collection method: clinical testing. Allele origin: germline.
Comment: In summary, the available evidence is currently insufficient to determine the role of this variant in disease. Therefore, it has been classified as a Variant of Uncertain Significance. An algorithm developed to predict the effect of missense changes on protein structure and function (PolyPhen-2) suggests that this variant is likely to be tolerated. ClinVar contains an entry for this variant (Variation ID: 2185365). This variant has not been reported in the literature in individuals affected with CCT2-related conditions. This variant is not present in population databases (gnomAD no frequency). This sequence change replaces leucine, which is neutral and non-polar, with phenylalanine, which is neutral and non-polar, at codon 38 of the CCT2 protein (p.Leu38Phe).

NM_006431.3(CCT2):c.114G>C (p.Leu38Phe)

Gene: CCT2 (chaperonin containing TCP1 subunit 2; plus strand). Cytogenetic location: 12q15.
Variant type: single nucleotide variant.
Coding change: c.114G>C on transcript NM_006431.3 (MANE Select); coding-DNA position 114, G replaced by C.
Protein change: p.Leu38Phe; replaces leucine 38 with phenylalanine.
Molecular consequence: missense variant. On other transcripts: 5 prime UTR variant (1).
Genome position (GRCh38, 1-based): chr12:69,586,788, G>C. VCF-style: chr12-69586788-G-C. GRCh37 (hg19) VCF-style: chr12-69980568-G-C.
Other names: c.-28G>C (NM_001198842.2); short protein forms L38F.
Identifiers: ClinVar variation 2185365 (VCV002185365.4), dbSNP rs967106598, ClinGen allele CA238524777.